The following is an entry in ClinVar:

NM_001182.5(ALDH7A1):c.965C>T (p.Ala322Val)

Gene: ALDH7A1 (aldehyde dehydrogenase 7 family member A1; minus strand). Cytogenetic location: 5q23.2.
Variant type: single nucleotide variant.
Coding change: c.965C>T on transcript NM_001182.5 (MANE Select); coding-DNA position 965, C replaced by T.
Protein change: p.Ala322Val; replaces alanine 322 with valine.
Molecular consequence: missense variant.
Genome position (GRCh38, 1-based): chr5:126,559,283, G>A on the plus strand (C>T on the coding strand, the complement: ALDH7A1 is on the minus strand). VCF-style: chr5-126559283-G-A. GRCh37 (hg19) VCF-style: chr5-125894975-G-A.
Other names: c.881C>T, p.Ala294Val (NM_001201377.2); c.965C>T, p.Ala322Val (NM_001202404.2); short protein forms A294V, A322V.
Identifiers: ClinVar variation 1213225 (VCV001213225.13), dbSNP rs777483675, ClinGen allele CA3389573.

ClinVar aggregate classification (germline): Conflicting classifications of pathogenicity. Review status: criteria provided, conflicting classifications (1 of 4 stars). 4 submissions from 4 submitters: Pathogenic (2); Likely pathogenic (1); Uncertain significance (1). Last evaluated 2024-10-25.

Conditions:
Pyridoxine-dependent epilepsy (EPEO4). Also called: PYRIDOXINE DEPENDENCY WITH SEIZURES; Pyridoxine-Dependent Seizures; Pyridoxine-Dependent Epilepsy - ALDH7A1; EPILEPSY, EARLY-ONSET, 4, VITAMIN B6-DEPENDENT. Identifiers: Orphanet 3006, MedGen C1849508, MONDO:0009945, OMIM 266100. Disease mechanism: loss of function.

Allele frequency attached by ClinVar (database versions not stated): gnomAD exomes 0.00002 and 0.00006; gnomAD 0.00003 and 0.00004; ExAC 0.00005.
gnomAD v4.1: 17 of 1,613,934 alleles (0.0011%); highest among the groups gnomAD compares: East Asian, 0.038%; no homozygotes.

Submissions (4):

Labcorp Genetics (formerly Invitae), Labcorp
Classification: Pathogenic for Pyridoxine-dependent epilepsy. Last evaluated: 2024-10-25. Review status: criteria provided, single submitter. Criteria: Invitae Variant Classification Sherloc (09022015). Collection method: clinical testing. Allele origin: germline.
Comment: This sequence change replaces alanine, which is neutral and non-polar, with valine, which is neutral and non-polar, at codon 322 of the ALDH7A1 protein (p.Ala322Val). This variant is present in population databases (rs777483675, gnomAD 0.1%). This missense change has been observed in individual(s) with pyridoxine-dependent epilepsy (PMID: 23916709, 24664145). ClinVar contains an entry for this variant (Variation ID: 1213225). Invitae Evidence Modeling of protein sequence and biophysical properties (such as structural, functional, and spatial information, amino acid conservation, physicochemical variation, residue mobility, and thermodynamic stability) indicates that this missense variant is expected to disrupt ALDH7A1 protein function with a positive predictive value of 95%. For these reasons, this variant has been classified as Pathogenic.

Women's Health and Genetics/Laboratory Corporation of America, LabCorp
Classification: Pathogenic for Pyridoxine-dependent epilepsy. Last evaluated: 2024-09-10. Review status: criteria provided, single submitter. Criteria: LabCorp Variant Classification Summary - May 2015. Collection method: clinical testing. Allele origin: germline.
Comment: Variant summary: ALDH7A1 c.965C>T (p.Ala322Val) results in a non-conservative amino acid change located in the Aldehyde dehydrogenase domain of the encoded protein sequence. Five of five in-silico tools predict a damaging effect of the variant on protein function. The variant allele was found at a frequency of 5.6e-05 in 251144 control chromosomes. This frequency is not significantly higher than estimated for a pathogenic variant in ALDH7A1 causing Pyridoxine-Dependent Epilepsy (5.6e-05 vs 0.0018), allowing no conclusion about variant significance. c.965C>T has been reported in the literature in multiple individuals affected with Pyridoxine-Dependent Epilepsy (examples: Ville_2013, Yang_2014, Costain_2019, Jiao_2020, Lee_2020). These data indicate that the variant is very likely to be associated with disease. The following publications have been ascertained in the context of this evaluation (PMID: 23916709, 24664145, 31487502, 31737911, 32173089). ClinVar contains an entry for this variant (Variation ID: 1213225). Based on the evidence outlined above, the variant was classified as pathogenic.

GeneDx
Classification: Uncertain significance. Last evaluated: 2019-08-14. Review status: criteria provided, single submitter. Criteria: GeneDx Variant Classification Process June 2021. Collection method: clinical testing. Allele origin: germline. Affected: yes.
Comment: Reported in an infant with pyridoxine-dependent epilepsy who also harbored a second ALDH7A1 variant on the opposite allele (in trans) (Yang et al., 2014); Reported in a patient with pyridoxine-dependent epilepsy who also harbored a second ALDH7A1 variant; however, segregation information was not provided (Yang et al., 2014); In silico analysis, which includes protein predictors and evolutionary conservation, supports that this variant does not alter protein structure/function; This variant is associated with the following publications: (PMID: 32173089, 30043187, 31737911, 31487502, 23916709, 24664145, 26555630)

Juno Genomics, Hangzhou Juno Genomics, Inc
Classification: Likely pathogenic for Pyridoxine-dependent epilepsy. Review status: criteria provided, single submitter. Criteria: ACMG Guidelines, 2015. Collection method: clinical testing. Allele origin: germline. Affected: yes.
Comment: Absent from controls (or at extremely low frequency if recessive) in Genome Aggregation Database, Exome Sequencing Project, 1000 Genomes Project, or Exome Aggregation Consortium.;Multiple lines of computational evidence support a deleterious effect on the gene or gene product (conservation, evolutionary, splicing impact, etc).;For recessive disorders, detected in trans with a pathogenic variant.;Patient's phenotype or family history is highly specific for a disease with a single genetic etiology.

Literature cited by the submitters: PubMed 23916709 (cited by Labcorp Genetics (formerly Invitae), Labcorp and Women's Health and Genetics/Laboratory Corporation of America, LabCorp); PubMed 24664145 (cited by Labcorp Genetics (formerly Invitae), Labcorp and Women's Health and Genetics/Laboratory Corporation of America, LabCorp); PubMed 31487502 (cited by Women's Health and Genetics/Laboratory Corporation of America, LabCorp); PubMed 31737911 (cited by Women's Health and Genetics/Laboratory Corporation of America, LabCorp); PubMed 32173089 (cited by Women's Health and Genetics/Laboratory Corporation of America, LabCorp).